The following is an entry in ClinVar:

ClinVar aggregate classification (germline): Uncertain significance (1 of 4 stars; one submission).

Conditions:
Achondrogenesis, type IB (ACG1B). Also called: Achondrogenesis Type 1B. Identifiers: Orphanet 932, Orphanet 93298, MedGen C0265274, MONDO:0010966, OMIM 600972.
Diastrophic dysplasia (DTD). Also called: Diastrophic dwarfism. Identifiers: Orphanet 628, MedGen C0220726, MONDO:0009107, OMIM 222600.
Multiple epiphyseal dysplasia type 4 (EDM4). Also called: MULTIPLE EPIPHYSEAL DYSPLASIA WITH BILAYERED PATELLAE; MULTIPLE EPIPHYSEAL DYSPLASIA WITH CLUBFOOT; MULTIPLE EPIPHYSEAL DYSPLASIA, AUTOSOMAL RECESSIVE; SLC26A2-Related Multiple Epiphyseal Dysplasia; Multiple Epiphyseal Dysplasia, Recessive. Identifiers: Orphanet 93307, MedGen C1847593, MONDO:0009189, OMIM 226900.
Atelosteogenesis type II (AO2). Also called: Neonatal osseous dysplasia 1; NEONATAL OSSEOUS DYSPLASIA I; SLC26A2-Related Atelosteogenesis. Identifiers: Orphanet 56304, MedGen C1850554, MONDO:0009727, OMIM 256050.

Submission:

Labcorp Genetics (formerly Invitae), Labcorp
Classification: Uncertain significance for Atelosteogenesis type II; Multiple epiphyseal dysplasia type 4; Achondrogenesis, type IB; Diastrophic dysplasia. Last evaluated: 2020-08-17. Review status: criteria provided, single submitter. Criteria: Invitae Variant Classification Sherloc (09022015). Collection method: clinical testing. Allele origin: germline.
Comment: In summary, the available evidence is currently insufficient to determine the role of this variant in disease. Therefore, it has been classified as a Variant of Uncertain Significance. Algorithms developed to predict the effect of missense changes on protein structure and function (SIFT, PolyPhen-2, Align-GVGD) all suggest that this variant is likely to be disruptive, but these predictions have not been confirmed by published functional studies and their clinical significance is uncertain. This variant has been observed in individual(s) with clinical features of diastrophic dysplasia (Invitae). In at least one individual the data is consistent with the variant being in trans (on the opposite chromosome) from a pathogenic variant. This variant is not present in population databases (ExAC no frequency). This sequence change replaces valine with aspartic acid at codon 681 of the SLC26A2 protein (p.Val681Asp). The valine residue is moderately conserved and there is a large physicochemical difference between valine and aspartic acid.

NM_000112.4(SLC26A2):c.2042T>A (p.Val681Asp)

Gene: SLC26A2 (solute carrier family 26 member 2; plus strand). Cytogenetic location: 5q32.
Variant type: single nucleotide variant.
Coding change: c.2042T>A on transcript NM_000112.4 (MANE Select); coding-DNA position 2042, T replaced by A.
Protein change: p.Val681Asp; replaces valine 681 with aspartic acid.
Molecular consequence: missense variant.
Genome position (GRCh38, 1-based): chr5:149,981,635, T>A. VCF-style: chr5-149981635-T-A. GRCh37 (hg19) VCF-style: chr5-149361198-T-A.
Other names: short protein forms V681D.
Identifiers: ClinVar variation 1023369 (VCV001023369.9), dbSNP rs1755104737, ClinGen allele CA361709687.
Genomic context (GRCh38, chr5:149,981,635, plus strand): 5'-CAGCAGGGATCCACACACTGAAAGAAGTTCGCAGAGATTATGAAGCCATTGGAATCCAGG[T>A]TCTGCTGGCTCAGTGCAATCCCACTGTGAGGGATTCCCTAACCAACGGAGAATATTGCAA-3'
Protein context (NP_000103.2, residues 671-691): RRDYEAIGIQ[Val681Asp]LLAQCNPTVR